The following is an entry in ClinVar:

ClinVar aggregate classification (germline): Uncertain significance (1 of 4 stars; one submission).

Allele frequency attached by ClinVar (database versions not stated): gnomAD exomes below 0.00001; TOPMed below 0.00001.
gnomAD v4.1: 1 of 1,611,710 alleles (0.000062%); highest among the groups gnomAD compares: African/African-American, 0.0013%; no homozygotes.

Submission:

Labcorp Genetics (formerly Invitae), Labcorp
Classification: Uncertain significance. Last evaluated: 2021-10-18. Review status: criteria provided, single submitter. Criteria: Invitae Variant Classification Sherloc (09022015). Collection method: clinical testing. Allele origin: germline.
Comment: This variant is not present in population databases (ExAC no frequency). This sequence change replaces leucine with valine at codon 36 of the IDH3A protein (p.Leu36Val). The leucine residue is highly conserved and there is a small physicochemical difference between leucine and valine. This variant has not been reported in the literature in individuals affected with IDH3A-related conditions. In summary, the available evidence is currently insufficient to determine the role of this variant in disease. Therefore, it has been classified as a Variant of Uncertain Significance. Algorithms developed to predict the effect of missense changes on protein structure and function are either unavailable or do not agree on the potential impact of this missense change (SIFT: "Deleterious"; PolyPhen-2: "Benign"; Align-GVGD: "Class C0").

NM_005530.3(IDH3A):c.106T>G (p.Leu36Val)

Gene: IDH3A (isocitrate dehydrogenase (NAD(+)) 3 catalytic subunit alpha; plus strand). Cytogenetic location: 15q25.1.
Variant type: single nucleotide variant.
Coding change: c.106T>G on transcript NM_005530.3 (MANE Select); coding-DNA position 106, T replaced by G.
Protein change: p.Leu36Val; replaces leucine 36 with valine.
Molecular consequence: missense variant.
Genome position (GRCh38, 1-based): chr15:78,157,563, T>G. VCF-style: chr15-78157563-T-G. GRCh37 (hg19) VCF-style: chr15-78449905-T-G.
Other names: short protein forms L36V.
Identifiers: ClinVar variation 1476569 (VCV001476569.6), dbSNP rs2074634720, ClinGen allele CA393557249.